The following is an entry in ClinVar:

NM_001303256.3(MORC2):c.1214T>C (p.Met405Thr)

Gene: MORC2 (MORC family CW-type zinc finger 2; minus strand). Cytogenetic location: 22q12.2.
Variant type: single nucleotide variant.
Coding change: c.1214T>C on transcript NM_001303256.3 (MANE Select); coding-DNA position 1214, T replaced by C.
Protein change: p.Met405Thr; replaces methionine 405 with threonine.
Molecular consequence: missense variant.
Genome position (GRCh38, 1-based): chr22:30,938,065, A>G on the plus strand (T>C on the coding strand, the complement: MORC2 is on the minus strand). VCF-style: chr22-30938065-A-G. GRCh37 (hg19) VCF-style: chr22-31334052-A-G.
Other names: c.1214T>C, p.Met405Thr (NM_001303257.2); c.1028T>C, p.Met343Thr (NM_014941.3); short protein forms M343T, M405T.
Identifiers: ClinVar variation 4279104 (VCV004279104.1).
Genomic context (GRCh38, chr22:30,938,065, plus strand): 5'-CTGGCAACGCCCTCCTGCCAACTATCCTGGGCTAGACAGCTCTCTGTGGGTAGTACTCAC[A>G]TGCCCCCTTCCAGCTGTGGGCCCACTTTCTCATACATTTTGATCAGTCGGCTACAGTTGT-3'
Protein context (NP_001290185.1, residues 395-415): EKVGPQLEGG[Met405Thr]ACGGVVGVVD

ClinVar aggregate classification (germline): Uncertain significance (1 of 4 stars; one submission).

Conditions:
Developmental delay, impaired growth, dysmorphic facies, and axonal neuropathy. Identifiers: MedGen C5436781, MONDO:0030835, OMIM 619090.

Submission:

Institute of Immunology and Genetics Kaiserslautern
Classification: Uncertain significance for Developmental delay, impaired growth, dysmorphic facies, and axonal neuropathy. Last evaluated: 2025-08-21. Review status: criteria provided, single submitter. Criteria: ACMG Guidelines, 2015. Collection method: clinical testing. Allele origin: de novo. Affected: yes.
Comment: ACMG Criteria: PS2, PM2_P, PP2, BP4; Variant was found in heterozygous state. De novo-status was confirmed via in-house segregation analysis.